The following is an entry in ClinVar:

NM_001458.5(FLNC):c.1776del (p.Phe592fs)

Gene: FLNC (filamin C; plus strand). Cytogenetic location: 7q32.1.
Variant type: Deletion.
Coding change: c.1776del on transcript NM_001458.5 (MANE Select); coding-DNA position 1776, one base deleted (T; older notation c.1776delT).
Protein change: p.Phe592fs; shifts the reading frame from phenylalanine 592.
Molecular consequence: frameshift variant.
Genome position (GRCh38, 1-based): chr7:128,840,933, T deleted; the last of 4 consecutive T bases (chr7:128,840,930-128,840,933); deleting any one gives the same sequence. VCF-style (leftmost placement, unchanged base first): chr7-128840929-AT-A. GRCh37 (hg19) VCF-style: chr7-128480983-AT-A.
Other names: c.1776del, p.Phe592fs (NM_001127487.2); short protein forms F592fs.
Identifiers: ClinVar variation 5021972 (VCV005021972.1).

ClinVar aggregate classification (germline): Pathogenic (1 of 4 stars; one submission).

Conditions:
Cardiovascular phenotype. Identifiers: MedGen CN230736.

Submission:

Ambry Genetics
Classification: Pathogenic for Cardiovascular phenotype. Last evaluated: 2026-09-02. Review status: criteria provided, single submitter. Criteria: Ambry Variant Classification Scheme 2023. Collection method: clinical testing. Allele origin: germline.
Comment: The c.1776delT pathogenic mutation, located in coding exon 11 of the FLNC gene, results from a deletion of one nucleotide at nucleotide position 1776, causing a translational frameshift with a predicted alternate stop codon (p.F592Lfs*79). This variant is considered to be rare based on population cohorts in the Genome Aggregation Database (gnomAD). This alteration is expected to result in loss of function by premature protein truncation or nonsense-mediated mRNA decay. As such, this alteration is interpreted as a disease-causing mutation for FLNC-related dilated cardiomyopathy; however, its clinical significance for hypertrophic/restrictive cardiomyopathy and/or skeletal myopathy is uncertain.